The following is an entry in ClinVar:

NM_178857.6(RP1L1):c.2643C>T (p.Ala881=)

Gene: RP1L1 (RP1 like 1). Cytogenetic location: 8p23.1.
Variant type: single nucleotide variant.
Coding change: c.2643C>T on transcript NM_178857.6 (MANE Select); coding-DNA position 2643, C replaced by T.
Protein change: p.Ala881=; no amino-acid change (alanine 881 retained).
Molecular consequence: synonymous variant.
Genome position (GRCh38, 1-based): chr8:10,611,455, G>A on the plus strand (C>T on the coding strand, the complement: RP1L1 is on the minus strand). VCF-style: chr8-10611455-G-A. GRCh37 (hg19) VCF-style: chr8-10468965-G-A.
Identifiers: ClinVar variation 361338 (VCV000361338.6), dbSNP rs374382227, ClinGen allele CA4624760.

ClinVar aggregate classification (germline): Benign/Likely benign. Review status: criteria provided, multiple submitters, no conflicts (2 of 4 stars). 2 submissions from 2 submitters: Benign (1); Likely benign (1). Last evaluated 2024-07-10.

Conditions:
Occult macular dystrophy (OCMD). Also called: OMD; OCCULT MACULAR DYSTROPHY, SUSCEPTIBILITY TO. Identifiers: Orphanet 247834, MedGen C3150833, MONDO:0013316, OMIM 613587, HP:0030636.

Allele frequency attached by ClinVar (database versions not stated): gnomAD exomes 0.00009 and 0.00017; ExAC 0.00039; ESP Exome Variant Server 0.00065; gnomAD 0.00076 and 0.00081; TOPMed 0.00088; 1000 Genomes Project 0.00100; 1000 Genomes Project 30x 0.00156.
gnomAD v4.1: 241 of 1,571,640 alleles (0.015%); highest among the groups gnomAD compares: African/African-American, 0.31%; no homozygotes.

Submissions (2):

Blueprint Genetics
Classification: Likely benign. Last evaluated: 2024-07-10. Review status: criteria provided, single submitter. Criteria: ACMG Guidelines, 2015. Collection method: clinical testing. Allele origin: germline.

Illumina Laboratory Services, Illumina
Classification: Benign for Occult macular dystrophy. Last evaluated: 2018-01-13. Review status: criteria provided, single submitter. Criteria: ICSL Variant Classification Criteria 13 December 2019. Collection method: clinical testing. Allele origin: germline.
Comment: This variant was observed in the ICSL laboratory as part of a predisposition screen in an ostensibly healthy population. It had not been previously curated by ICSL or reported in the Human Gene Mutation Database (HGMD: prior to June 1st, 2018), and was therefore a candidate for classification through an automated scoring system. Utilizing variant allele frequency, disease prevalence and penetrance estimates, and inheritance mode, an automated score was calculated to assess if this variant is too frequent to cause the disease. Based on the score and internal cut-off values, a variant classified as benign is not then subjected to further curation. The score for this variant resulted in a classification of benign for this disease.